The following is an entry in ClinVar:

NM_001130682.3(GUCY1A1):c.1972G>A (p.Asp658Asn)

Gene: GUCY1A1 (guanylate cyclase 1 soluble subunit alpha 1; plus strand). Cytogenetic location: 4q32.1.
Variant type: single nucleotide variant.
Coding change: c.1972G>A on transcript NM_001130682.3 (MANE Select); coding-DNA position 1972, G replaced by A.
Protein change: p.Asp658Asn; replaces aspartic acid 658 with asparagine.
Molecular consequence: missense variant. On other transcripts: 3 prime UTR variant (1).
Genome position (GRCh38, 1-based): chr4:155,730,130, G>A. VCF-style: chr4-155730130-G-A. GRCh37 (hg19) VCF-style: chr4-156651282-G-A.
Other names: c.1972G>A, p.Asp658Asn (NM_001379668.1, NM_001379669.1, NM_001379670.1 and 10 more transcripts); c.*29G>A (NM_001379675.1); c.1465G>A, p.Asp489Asn (NM_001379676.1); c.1972G>A (NM_001130683.2); c.1267G>A, p.Asp423Asn (NM_001130685.3); short protein forms D658N, D423N, D489N.
Identifiers: ClinVar variation 1969015 (VCV001969015.6), dbSNP rs199904354, ClinGen allele CA3117531.

ClinVar aggregate classification (germline): Uncertain significance. Review status: criteria provided, multiple submitters, no conflicts (2 of 4 stars). 2 submissions from 2 submitters: Uncertain significance (2). Last evaluated 2025-08-21.

Allele frequency attached by ClinVar (database versions not stated): TOPMed 0.00001; gnomAD 0.00001; 1000 Genomes Project 30x 0.00016; gnomAD exomes 0.00001; ExAC 0.00004; 1000 Genomes Project 0.00020.
gnomAD v4.1: 14 of 1,611,588 alleles (0.00087%); highest among the groups gnomAD compares: East Asian, 0.027%; no homozygotes.

Submissions (2):

Labcorp Genetics (formerly Invitae), Labcorp
Classification: Uncertain significance. Last evaluated: 2025-08-21. Review status: criteria provided, single submitter. Criteria: Invitae Variant Classification Sherloc (09022015). Collection method: clinical testing. Allele origin: germline.
Comment: This sequence change replaces aspartic acid, which is acidic and polar, with asparagine, which is neutral and polar, at codon 658 of the GUCY1A1 protein (p.Asp658Asn). This variant is present in population databases (rs199904354, gnomAD 0.05%). This variant has not been reported in the literature in individuals affected with GUCY1A1-related conditions. ClinVar contains an entry for this variant (Variation ID: 1969015). Invitae Evidence Modeling of protein sequence and biophysical properties (such as structural, functional, and spatial information, amino acid conservation, physicochemical variation, residue mobility, and thermodynamic stability) indicates that this missense variant is not expected to disrupt GUCY1A1 protein function with a negative predictive value of 80%. In summary, the available evidence is currently insufficient to determine the role of this variant in disease. Therefore, it has been classified as a Variant of Uncertain Significance.

Ambry Genetics
Classification: Uncertain significance. Last evaluated: 2022-08-08. Review status: criteria provided, single submitter. Criteria: Ambry Variant Classification Scheme 2023. Collection method: clinical testing. Allele origin: germline.